The following is an entry in ClinVar:

NM_001308142.2(MRTFB):c.3243G>A (p.Pro1081=)

Gene: MRTFB (myocardin related transcription factor B; plus strand). Cytogenetic location: 16p13.12.
Variant type: single nucleotide variant.
Coding change: c.3243G>A on transcript NM_001308142.2 (MANE Select); coding-DNA position 3243, G replaced by A.
Protein change: p.Pro1081=; no amino-acid change (proline 1081 retained).
Molecular consequence: synonymous variant.
Genome position (GRCh38, 1-based): chr16:14,261,387, G>A. VCF-style: chr16-14261387-G-A. GRCh37 (hg19) VCF-style: chr16-14355244-G-A.
Other names: c.3210G>A, p.Pro1070= (NM_001365411.2); c.3105G>A, p.Pro1035= (NM_001365412.2); c.3030G>A, p.Pro1010= (NM_001365413.2); c.2880G>A, p.Pro960= (NM_001365414.2); c.3093G>A, p.Pro1031= (NM_014048.4).
Identifiers: ClinVar variation 2646239 (VCV002646239.24), dbSNP rs560271863, ClinGen allele CA7911799.

ClinVar aggregate classification (germline): Likely benign (1 of 4 stars; one submission).

Allele frequency attached by ClinVar (database versions not stated): gnomAD exomes 0.00002; TOPMed 0.00002; ExAC 0.00003; gnomAD 0.00003; 1000 Genomes Project 30x 0.00016; 1000 Genomes Project 0.00020.
gnomAD v4.1: 35 of 1,613,602 alleles (0.0022%); highest among the groups gnomAD compares: East Asian, 0.038%; no homozygotes.

Submission:

CeGaT Center for Human Genetics Tuebingen
Classification: Likely benign. Last evaluated: 2022-04-01. Review status: criteria provided, single submitter. Criteria: CeGaT Center For Human Genetics Tuebingen Variant Classification Criteria Version 2. Collection method: clinical testing. Allele origin: germline. Affected: yes. Observed: 1 variant allele.
Comment: MRTFB: BP4, BP7